The following is an entry in ClinVar:

NM_004656.4(BAP1):c.144C>T (p.Phe48=)

Gene: BAP1 (BRCA1 associated deubiquitinase 1; minus strand). Cytogenetic location: 3p21.1.
Variant type: single nucleotide variant.
Coding change: c.144C>T on transcript NM_004656.4 (MANE Select); coding-DNA position 144, C replaced by T.
Protein change: p.Phe48=; no amino-acid change (phenylalanine 48 retained).
Molecular consequence: synonymous variant.
Genome position (GRCh38, 1-based): chr3:52,408,585, G>A on the plus strand (C>T on the coding strand, the complement: BAP1 is on the minus strand). VCF-style: chr3-52408585-G-A. GRCh37 (hg19) VCF-style: chr3-52442601-G-A.
Other names: c.144C>T, p.Phe48= (NM_001410772.1).
Identifiers: ClinVar variation 1772892 (VCV001772892.3), dbSNP rs2153228341, ClinGen allele CA433778240.

ClinVar aggregate classification (germline): Benign/Likely benign. Review status: criteria provided, multiple submitters, no conflicts (2 of 4 stars). 2 submissions from 2 submitters: Benign (1); Likely benign (1). Last evaluated 2024-07-11.

Conditions:
Hereditary cancer-predisposing syndrome. Also called: Hereditary Cancer Syndrome; Hereditary neoplastic syndrome; Neoplastic Syndromes, Hereditary; Tumor predisposition. Identifiers: Orphanet 140162, MedGen C0027672, MeSH D009386, MONDO:0015356.
BAP1-related tumor predisposition syndrome (TPDS1). Also called: COMMON Syndrome; TUMOR PREDISPOSITION SYNDROME 1; BAP1 tumor predisposition syndrome; Tumor susceptibility linked to germline BAP1 mutations. Identifiers: Orphanet 289539, MedGen C3280492, MONDO:0013692, OMIM 614327.

Submissions (2):

Myriad Genetics, Inc.
Classification: Benign for BAP1-related tumor predisposition syndrome. Last evaluated: 2024-07-11. Review status: criteria provided, single submitter. Criteria: Myriad Autosomal Dominant, Autosomal Recessive and X-Linked Classification Criteria (2023). Collection method: clinical testing. Allele origin: unknown.
Comment: This variant is considered benign. This variant is a silent/synonymous amino acid change and it is not expected to impact splicing.

Ambry Genetics
Classification: Likely benign for Hereditary cancer-predisposing syndrome. Last evaluated: 2020-10-07. Review status: criteria provided, single submitter. Criteria: Ambry Variant Classification Scheme 2023. Collection method: clinical testing. Allele origin: germline.